The following is an entry in ClinVar:

NM_003239.5(TGFB3):c.1150G>A (p.Glu384Lys)

Gene: TGFB3 (transforming growth factor beta 3; minus strand). Cytogenetic location: 14q24.3.
Variant type: single nucleotide variant.
Coding change: c.1150G>A on transcript NM_003239.5 (MANE Select); coding-DNA position 1150, G replaced by A.
Protein change: p.Glu384Lys; replaces glutamic acid 384 with lysine.
Molecular consequence: missense variant.
Genome position (GRCh38, 1-based): chr14:75,959,276, C>T on the plus strand (G>A on the coding strand, the complement: TGFB3 is on the minus strand). VCF-style: chr14-75959276-C-T. GRCh37 (hg19) VCF-style: chr14-76425619-C-T.
Other names: c.1150G>A, p.Glu384Lys (NM_001329939.2); short protein forms E384K.
Identifiers: ClinVar variation 1407846 (VCV001407846.6), dbSNP rs1304975316, ClinGen allele CA390467055.

ClinVar aggregate classification (germline): Uncertain significance (1 of 4 stars; one submission).

Conditions:
Rienhoff syndrome. Also called: LOEYS-DIETZ SYNDROME 5. Identifiers: MedGen C3810012, MONDO:0014262, OMIM 615582.

Allele frequency attached by ClinVar (database versions not stated): gnomAD exomes 0.00001.
gnomAD v4.1: 3 of 1,614,186 alleles (0.00019%); highest among the groups gnomAD compares: Admixed American, 0.005%; no homozygotes.

Submission:

Labcorp Genetics (formerly Invitae), Labcorp
Classification: Uncertain significance for Rienhoff syndrome. Last evaluated: 2025-10-20. Review status: criteria provided, single submitter. Criteria: Invitae Variant Classification Sherloc (09022015). Collection method: clinical testing. Allele origin: germline.
Comment: This sequence change replaces glutamic acid, which is acidic and polar, with lysine, which is basic and polar, at codon 384 of the TGFB3 protein (p.Glu384Lys). This variant is present in population databases (no rsID available, gnomAD 0.006%). This variant has not been reported in the literature in individuals affected with TGFB3-related conditions. ClinVar contains an entry for this variant (Variation ID: 1407846). Invitae Evidence Modeling of protein sequence and biophysical properties (such as structural, functional, and spatial information, amino acid conservation, physicochemical variation, residue mobility, and thermodynamic stability) indicates that this missense variant is not expected to disrupt TGFB3 protein function with a negative predictive value of 80%. In summary, the available evidence is currently insufficient to determine the role of this variant in disease. Therefore, it has been classified as a Variant of Uncertain Significance.